The following is an entry in ClinVar:

NM_001018005.2(TPM1):c.9C>T (p.Ala3=)

Gene: TPM1 (tropomyosin 1; plus strand). Cytogenetic location: 15q22.2.
Variant type: single nucleotide variant.
Coding change: c.9C>T on transcript NM_001018005.2 (MANE Select); coding-DNA position 9, C replaced by T.
Protein change: p.Ala3=; no amino-acid change (alanine 3 retained).
Molecular consequence: synonymous variant. On other transcripts: non-coding transcript variant (11).
Genome position (GRCh38, 1-based): chr15:63,042,838, C>T. VCF-style: chr15-63042838-C-T. GRCh37 (hg19) VCF-style: chr15-63335037-C-T.
Other names: c.9C>T, p.Ala3= (NM_000366.6, NM_001018004.2, NM_001018006.2 and 24 more transcripts).
Identifiers: ClinVar variation 3074141 (VCV003074141.1), dbSNP rs2542411702, ClinGen allele CA490677833.
Genomic context (GRCh38, chr15:63,042,838, plus strand): 5'-CGCTCGCCCCGCCGCTCCTGCTGCAGCCCCAGGGCCCCTCGCCGCCGCCACCATGGACGC[C>T]ATCAAGAAGAAGATGCAGATGCTGAAGCTCGACAAGGAGAACGCCTTGGATCGAGCTGAG-3'
Protein context (NP_001018005.1, residues 1-13): MD[Ala3=]IKKKMQMLKL

ClinVar aggregate classification (germline): Likely benign (1 of 4 stars; one submission).

Conditions:
Hypertrophic cardiomyopathy. Also called: HYPERTROPHIC MYOCARDIOPATHY. Identifiers: Orphanet 217569, MedGen C0007194, MeSH D002312, MONDO:0005045, HP:0001639.

Submission:

All of Us Research Program, National Institutes of Health
Classification: Likely benign for Hypertrophic cardiomyopathy. Last evaluated: 2023-10-23. Review status: criteria provided, single submitter. Criteria: ACMG Guidelines, 2015. Collection method: clinical testing. Allele origin: germline. Inheritance: Autosomal dominant inheritance. Observed: 1 variant allele, 1 heterozygote.
Comment: This study involves interpretation of variants in research participants for the purpose of population health screening. Participant phenotype was not available at the time of variant classification. Additional details can be found in publication PMID: 35346344, PMCID: PMC8962531